The following is an entry in ClinVar:

NM_007194.4(CHEK2):c.973A>G (p.Lys325Glu)

Gene: CHEK2 (checkpoint kinase 2; minus strand). Cytogenetic location: 22q12.1.
Variant type: single nucleotide variant.
Coding change: c.973A>G on transcript NM_007194.4 (MANE Select); coding-DNA position 973, A replaced by G.
Protein change: p.Lys325Glu; replaces lysine 325 with glutamic acid.
Molecular consequence: missense variant.
Genome position (GRCh38, 1-based): chr22:28,699,873, T>C on the plus strand (A>G on the coding strand, the complement: CHEK2 is on the minus strand). VCF-style: chr22-28699873-T-C. GRCh37 (hg19) VCF-style: chr22-29095861-T-C.
Other names: c.1102A>G, p.Lys368Glu (NM_001005735.3); c.310A>G, p.Lys104Glu (NM_001257387.3); c.772A>G, p.Lys258Glu (NM_001349956.3); c.973A>G, p.Lys325Glu (NM_145862.3); short protein forms K325E, K104E, K368E, K258E.
Identifiers: ClinVar variation 420222 (VCV000420222.65), dbSNP rs587780193, ClinGen allele CA16621061.
Genomic context (GRCh38, chr22:28,699,873, plus strand): 5'-CAAAAGAATTGAGGGCTTCTTTTACCTGCACAGCCAAGAGCATCTGGTAAAAATAGAGCT[T>C]GCAGGTAGCTTCTTTCAGGCGTTTATTCCCCACCACTTTGTCAAACAGCTCTCCCCCTTC-3'
Protein context (NP_009125.1, residues 315-335): GNKRLKEATC[Lys325Glu]LYFYQMLLAV

ClinVar aggregate classification (germline): Uncertain significance. Review status: criteria provided, multiple submitters, no conflicts (2 of 4 stars). 7 submissions from 7 submitters: Uncertain significance (7). Last evaluated 2025-11-24.

Conditions:
Hereditary cancer-predisposing syndrome. Also called: Hereditary Cancer Syndrome; Tumor predisposition; Neoplastic Syndromes, Hereditary; Hereditary neoplastic syndrome. Identifiers: Orphanet 140162, MedGen C0027672, MeSH D009386, MONDO:0015356.
Familial cancer of breast. Also called: hereditary breast carcinoma; BREAST CANCER, FAMILIAL; Hereditary breast cancer. Identifiers: Orphanet 227535, MedGen C0346153, MONDO:0016419, OMIM 114480. Disease mechanism: loss of function.
Familial prostate cancer. Also called: Hereditary Prostate Cancer. Identifiers: MedGen C2931456, MONDO:0700275, OMIM 176807.
Bone osteosarcoma. Also called: Osteosarcoma, somatic. Identifiers: Orphanet 668, MedGen C0585442, MONDO:0002629, OMIM 259500.
CHEK2-related cancer predisposition (TPDS4). Also called: CHEK2-related cancer susceptibility; TUMOR PREDISPOSITION SYNDROME 4; CANCER PREDISPOSITION SYNDROME, CHEK2-RELATED. Identifiers: Orphanet 524, MedGen C5882668, MONDO:0700271, OMIM 609265.

Allele frequency attached by ClinVar (database versions not stated): TOPMed below 0.00001; gnomAD exomes 0.00001.

Submissions (7):

Labcorp Genetics (formerly Invitae), Labcorp
Classification: Uncertain significance for Familial cancer of breast. Last evaluated: 2025-11-24. Review status: criteria provided, single submitter. Criteria: Invitae Variant Classification Sherloc (09022015). Collection method: clinical testing. Allele origin: germline.
Comment: This sequence change replaces lysine, which is basic and polar, with glutamic acid, which is acidic and polar, at codon 325 of the CHEK2 protein (p.Lys325Glu). This variant is not present in population databases (gnomAD no frequency). This variant has not been reported in the literature in individuals affected with CHEK2-related conditions. ClinVar contains an entry for this variant (Variation ID: 420222). An algorithm developed to predict the effect of missense changes on protein structure and function (PolyPhen-2) suggests that this variant is likely to be disruptive. In summary, the available evidence is currently insufficient to determine the role of this variant in disease. Therefore, it has been classified as a Variant of Uncertain Significance.

Ambry Genetics
Classification: Uncertain significance for Hereditary cancer-predisposing syndrome. Last evaluated: 2025-06-26. Review status: criteria provided, single submitter. Criteria: Ambry Variant Classification Scheme 2023. Collection method: clinical testing. Allele origin: germline.
Comment: The p.K325E variant (also known as c.973A>G), located in coding exon 8 of the CHEK2 gene, results from an A to G substitution at nucleotide position 973. The lysine at codon 325 is replaced by glutamic acid, an amino acid with similar properties. This variant was identified in 2 of 5589 German BRCA1/2-negative probands with breast cancer (Hauke J et al. Cancer Med, 2018 Apr;7:1349-1358). This variant was reported as functionally impaired in a study assessing CHEK2-complementation through quantification of KAP1 phosphorylation and CHK2 autophosphorylation in human RPE1-CHEK2-knockout cells (Stolarova L et al. Clin Cancer Res, 2023 Aug;29:3037-3050). This amino acid position is highly conserved in available vertebrate species. In addition, this alteration is predicted to be deleterious by in silico analysis. Based on the available evidence, the clinical significance of this variant remains unclear.

Fulgent Genetics
Classification: Uncertain significance for Familial prostate cancer; Bone osteosarcoma; CHEK2-related cancer predisposition. Last evaluated: 2024-03-27. Review status: criteria provided, single submitter. Criteria: ACMG Guidelines, 2015. Collection method: clinical testing. Allele origin: germline.

Color Diagnostics, LLC DBA Color Health
Classification: Uncertain significance for Hereditary cancer-predisposing syndrome. Last evaluated: 2023-04-24. Review status: criteria provided, single submitter. Criteria: ACMG Guidelines, 2015. Collection method: clinical testing. Allele origin: germline.
Comment: This missense variant replaces lysine with glutamic acid at codon 325 of the CHEK2 protein. Computational prediction is inconclusive regarding the impact of this variant on protein structure and function (internally defined REVEL score threshold 0.5 < inconclusive < 0.7, PMID: 27666373). To our knowledge, functional studies have not been reported for this variant. This variant has been detected in a breast cancer case-control meta-analysis in 1/60466 cases and 2/53461 controls (PMID: 33471991). This variant has not been identified in the general population by the Genome Aggregation Database (gnomAD). The available evidence is insufficient to determine the role of this variant in disease conclusively. Therefore, this variant is classified as a Variant of Uncertain Significance.

Sema4
Classification: Uncertain significance for Hereditary cancer-predisposing syndrome. Last evaluated: 2022-03-17. Review status: criteria provided, single submitter. Criteria: Sema4 Curation Guidelines. Collection method: curation. Allele origin: germline.
Comment: To the best of our knowledge, the CHEK2 c.973A>G (p.K325E) variant has not been reported in individuals with CHEK2-related disease. It has been reported in a large case-control study of breast cancer in 1/60466 cases and 2/53461 controls (PMID: 33471991). This variant is not reported in the population database Genome Aggregation Database (PMID: 32461654). The variant has been reported in ClinVar (Variation ID 420222). Functional studies have not been performed, and in silico predictions of the variant's effect on protein function are inconclusive. The evidence is insufficient to meet ACMG/AMP criteria for classifying the variant as benign or pathogenic. Thus, the clinical significance of this variant is currently uncertain.

GeneDx
Classification: Uncertain significance. Last evaluated: 2020-10-20. Review status: criteria provided, single submitter. Criteria: GeneDx Variant Classification Process June 2021. Collection method: clinical testing. Allele origin: germline. Affected: yes.
Comment: In silico analysis, which includes protein predictors and evolutionary conservation, supports a deleterious effect; Has not been previously published as pathogenic or benign to our knowledge

CeGaT Center for Human Genetics Tuebingen
Classification: Uncertain significance. Last evaluated: 2017-05-01. Review status: criteria provided, single submitter. Criteria: CeGaT Center For Human Genetics Tuebingen Variant Classification Criteria Version 2. Collection method: clinical testing. Allele origin: germline. Affected: yes. Observed: 1 variant allele.

Literature cited by the submitters: PubMed 29522266 (cited by Ambry Genetics); PubMed 37449874 (cited by Ambry Genetics); PubMed 33471991 (cited by Color Diagnostics, LLC DBA Color Health and Sema4).